The following is an entry in ClinVar:

ClinVar aggregate classification (germline): Likely benign. Review status: criteria provided, multiple submitters, no conflicts (2 of 4 stars). 5 submissions from 5 submitters: Likely benign (5). Last evaluated 2026-03-11.

Conditions:
Rienhoff syndrome. Also called: LOEYS-DIETZ SYNDROME 5. Identifiers: MedGen C3810012, MONDO:0014262, OMIM 615582.
TGFB3-related disorder. Also called: TGFB3-related condition.
Familial thoracic aortic aneurysm and aortic dissection (TAAD). Also called: Thoracic aortic aneurysms and dissections. Identifiers: Orphanet 91387, MedGen C4707243, MONDO:0019625.

Allele frequency attached by ClinVar (database versions not stated): gnomAD 0.00001 and 0.00003; ExAC 0.00003; gnomAD exomes 0.00004 and 0.00005; TOPMed 0.00006; ESP Exome Variant Server 0.00023.
gnomAD v4.1: 65 of 1,614,154 alleles (0.004%); highest among the groups gnomAD compares: Admixed American, 0.005%; no homozygotes.

Submissions (5):

PreventionGenetics, part of Exact Sciences
Classification: Likely benign for TGFB3-related condition. Last evaluated: 2026-03-11. Review status: criteria provided, single submitter. Criteria: ACMG Guidelines, 2015. Collection method: clinical testing. Allele origin: germline.
Comment: This variant is classified as likely benign based on ACMG/AMP sequence variant interpretation guidelines (Richards et al. 2015 PMID: 25741868, with internal and published modifications).

Labcorp Genetics (formerly Invitae), Labcorp
Classification: Likely benign for Rienhoff syndrome. Last evaluated: 2026-01-20. Review status: criteria provided, single submitter. Criteria: Invitae Variant Classification Sherloc (09022015). Collection method: clinical testing. Allele origin: germline.

Molecular Diagnostic Laboratory for Inherited Cardiovascular Disease, Montreal Heart Institute
Classification: Likely benign. Last evaluated: 2025-07-24. Review status: criteria provided, single submitter. Criteria: ACMG Guidelines, 2015. Collection method: clinical testing. Allele origin: germline. Affected: no.
Comment: BS1;BP7

Women's Health and Genetics/Laboratory Corporation of America, LabCorp
Classification: Likely benign. Last evaluated: 2025-01-24. Review status: criteria provided, single submitter. Criteria: LabCorp Variant Classification Summary - May 2015. Collection method: clinical testing. Allele origin: germline.
Comment: Variant summary: TGFB3 c.1230A>G alters a conserved nucleotide resulting in a synonymous change in the last exon. The variant allele was found at a frequency of 5.2e-05 in 251466 control chromosomes (gnomAD v2.1). This frequency is not significantly higher than the maximum estimated for a pathogenic variant in TGFB3 causing Loeys-Dietz Syndrome, allowing no conclusion about variant significance. The variant, c.1230A>G, has been reported in the literature in a patient with (suspected) primary electrical disease, however the patient also carried a (likely) pathogenic variant in another gene associated with cardiac conditions (Proost_2017). To our knowledge, no experimental evidence demonstrating an impact on protein function has been reported. The following publication has been ascertained in the context of this evaluation (PMID: 28341588). ClinVar contains an entry for this variant (Variation ID: 314447). Based on the evidence outlined above, the variant was classified as likely benign.

Ambry Genetics
Classification: Likely benign for Familial thoracic aortic aneurysm and aortic dissection. Last evaluated: 2019-06-24. Review status: criteria provided, single submitter. Criteria: Ambry Variant Classification Scheme 2023. Collection method: clinical testing. Allele origin: germline.

Literature cited by the submitters: PubMed 28341588 (cited by Women's Health and Genetics/Laboratory Corporation of America, LabCorp).

NM_003239.5(TGFB3):c.1230A>G (p.Lys410=)

Gene: TGFB3 (transforming growth factor beta 3; minus strand). Cytogenetic location: 14q24.3.
Variant type: single nucleotide variant.
Coding change: c.1230A>G on transcript NM_003239.5 (MANE Select); coding-DNA position 1230, A replaced by G.
Protein change: p.Lys410=; no amino-acid change (lysine 410 retained).
Molecular consequence: synonymous variant.
Genome position (GRCh38, 1-based): chr14:75,959,196, T>C on the plus strand (A>G on the coding strand, the complement: TGFB3 is on the minus strand). VCF-style: chr14-75959196-T-C. GRCh37 (hg19) VCF-style: chr14-76425539-T-C.
Other names: c.1230A>G, p.Lys410= (NM_001329939.2); c.1230A>G (NM_003239.4).
Identifiers: ClinVar variation 314447 (VCV000314447.19), dbSNP rs373100223, ClinGen allele CA7280245.